The following is an entry in ClinVar:

ClinVar aggregate classification (germline): Uncertain significance. Review status: criteria provided, multiple submitters, no conflicts (2 of 4 stars). 3 submissions from 3 submitters: Uncertain significance (3). Last evaluated 2026-01-24.

Allele frequency attached by ClinVar (database versions not stated): ExAC 0.00002; gnomAD exomes 0.00004 and 0.00002; gnomAD 0.00002 and 0.00003; TOPMed 0.00003; 1000 Genomes Project 30x 0.00062; 1000 Genomes Project 0.00060.
gnomAD v4.1: 64 of 1,613,910 alleles (0.004%); highest among the groups gnomAD compares: Admixed American, 0.037%; 1 homozygote.

Submissions (3):

GeneDx
Classification: Uncertain significance. Last evaluated: 2026-01-24. Review status: criteria provided, single submitter. Criteria: GeneDx Variant Classification Process June 2021. Collection method: clinical testing. Allele origin: germline. Affected: yes.
Comment: Not observed at significant frequency in large population cohorts (gnomAD); Missense variant in a gene in which most reported pathogenic variants are truncating/loss of function; Has not been previously published as pathogenic or benign to our knowledge

Biesecker Lab/Clinical Genomics Section, National Institutes of Health
Classification: Uncertain significance. Last evaluated: 2013-06-24. Review status: criteria provided, single submitter. Criteria: Ng et al. (Circ Cardiovasc Genet. 2013). Collection method: research. Allele origin: unknown. Observed: 1 variant allele. Study: ClinSeq.
Comment: The study set was not selected for affection status in relation to any cancer. Pathogenicity categories were based on literature curation. See Pubmed ID:23861362 for details.

Medical sequencing

Laboratory for Molecular Medicine, Mass General Brigham Personalized Medicine
Classification: Uncertain significance. Last evaluated: 2012-11-05. Review status: criteria provided, single submitter. Criteria: LMM Criteria. Collection method: clinical testing. Allele origin: germline. Observed: 1 variant allele.
Comment: The Pro8292Thr variant in TTN has not been reported in the literature nor previo usly identified by our laboratory. This variant has been identified in 1/593 chr omosomes from the broad and racially unspecified ClinSeq population (dbSNP rs201 121983); however, this could be an asymptomatic individual. Computational analys es (biochemical amino acid properties, conservation, AlignGVGD, and PolyPhen2) s uggest that the Pro8292Thr variant may not impact the protein, though this infor mation is not predictive enough to rule out pathogenicity. Additional informatio n is needed to fully assess the clinical significance of the Pro8292Thr variant.

NM_001267550.2(TTN):c.28606C>A (p.Pro9536Thr)

Gene: TTN (titin; minus strand). Cytogenetic location: 2q31.2.
Variant type: single nucleotide variant.
Coding change: c.28606C>A on transcript NM_001267550.2 (MANE Select); coding-DNA position 28606, C replaced by A.
Protein change: p.Pro9536Thr; replaces proline 9536 with threonine.
Molecular consequence: missense variant. On other transcripts: intron variant (3).
Genome position (GRCh38, 1-based): chr2:178,709,713, G>T on the plus strand (C>A on the coding strand, the complement: TTN is on the minus strand). VCF-style: chr2-178709713-G-T. GRCh37 (hg19) VCF-style: chr2-179574440-G-T.
Other names: p.P9219T:CCA>ACA; c.27655C>A, p.Pro9219Thr (NM_001256850.1); c.24874C>A, p.Pro8292Thr (NM_133378.4); c.28606C>A (NM_001267550.1); c.13282+28369C>A (NM_003319.4); c.13858+28369C>A (NM_133437.4); c.13657+28369C>A (NM_133432.3); short protein forms P9536T, P8292T, P9219T.
Identifiers: ClinVar variation 46811 (VCV000046811.8), dbSNP rs201121983, ClinGen allele CA139257.